The following is an entry in ClinVar:

ClinVar aggregate classification (germline): Uncertain significance. Review status: criteria provided, multiple submitters, no conflicts (2 of 4 stars). 2 submissions from 2 submitters: Uncertain significance (2). Last evaluated 2023-12-11.

Conditions:
Hereditary cancer-predisposing syndrome. Also called: Tumor predisposition; Hereditary Cancer Syndrome; Neoplastic Syndromes, Hereditary; Hereditary neoplastic syndrome. Identifiers: Orphanet 140162, MedGen C0027672, MeSH D009386, MONDO:0015356.
Familial cancer of breast. Also called: hereditary breast carcinoma; BREAST CANCER, FAMILIAL; Hereditary breast cancer. Identifiers: Orphanet 227535, MedGen C0346153, MONDO:0016419, OMIM 114480. Disease mechanism: loss of function.
Fanconi anemia complementation group J. Also called: BRIP1-Related Fanconi Anemia. Identifiers: Orphanet 84, MedGen C1836860, MONDO:0012187, OMIM 609054.

Submissions (2):

Ambry Genetics
Classification: Uncertain significance for Hereditary cancer-predisposing syndrome. Last evaluated: 2023-12-11. Review status: criteria provided, single submitter. Criteria: Ambry Variant Classification Scheme 2023. Collection method: clinical testing. Allele origin: germline.
Comment: The p.G177R variant (also known as c.529G>C), located in coding exon 5 of the BRIP1 gene, results from a G to C substitution at nucleotide position 529. The glycine at codon 177 is replaced by arginine, an amino acid with dissimilar properties. This amino acid position is conserved. In addition, this alteration is predicted to be tolerated by in silico analysis. Since supporting evidence is limited at this time, the clinical significance of this alteration remains unclear.

Labcorp Genetics (formerly Invitae), Labcorp
Classification: Uncertain significance for Familial cancer of breast; Fanconi anemia complementation group J. Last evaluated: 2019-04-06. Review status: criteria provided, single submitter. Criteria: Invitae Variant Classification Sherloc (09022015). Collection method: clinical testing. Allele origin: germline.
Comment: In summary, the available evidence is currently insufficient to determine the role of this variant in disease. Therefore, it has been classified as a Variant of Uncertain Significance. Algorithms developed to predict the effect of missense changes on protein structure and function (SIFT, PolyPhen-2, Align-GVGD) all suggest that this variant is likely to be tolerated, but these predictions have not been confirmed by published functional studies and their clinical significance is uncertain. This variant has not been reported in the literature in individuals with BRIP1-related conditions. This variant is not present in population databases (ExAC no frequency). This sequence change replaces glycine with arginine at codon 177 of the BRIP1 protein (p.Gly177Arg). The glycine residue is weakly conserved and there is a moderate physicochemical difference between glycine and arginine.

NM_032043.3(BRIP1):c.529G>C (p.Gly177Arg)

Gene: BRIP1 (BRCA1 interacting DNA helicase 1; minus strand). Cytogenetic location: 17q23.2.
Variant type: single nucleotide variant.
Coding change: c.529G>C on transcript NM_032043.3 (MANE Select); coding-DNA position 529, G replaced by C.
Protein change: p.Gly177Arg; replaces glycine 177 with arginine.
Molecular consequence: missense variant.
Genome position (GRCh38, 1-based): chr17:61,847,199, C>G on the plus strand (G>C on the coding strand, the complement: BRIP1 is on the minus strand). VCF-style: chr17-61847199-C-G. GRCh37 (hg19) VCF-style: chr17-59924560-C-G.
Other names: short protein forms G177R.
Identifiers: ClinVar variation 862147 (VCV000862147.11), dbSNP rs2078748501, ClinGen allele CA400483301.